The following is an entry in ClinVar:

ClinVar aggregate classification (germline): Likely pathogenic (1 of 4 stars; one submission).

Conditions:
Autosomal recessive nonsyndromic hearing loss 124. Also called: DEAFNESS, AUTOSOMAL RECESSIVE 124. Identifiers: MedGen C5935612, MONDO:0968981, OMIM 620794.

Submission:

First Genomix Gene Laboratory, Genetic Diagnostics Department
Classification: Likely pathogenic for Autosomal recessive nonsyndromic hearing loss 124. Last evaluated: 2025-07-15. Review status: criteria provided, single submitter. Criteria: ACMG Guidelines, 2015. Collection method: clinical testing. Allele origin: germline. Inheritance: Autosomal recessive inheritance. Affected: no. Observed: 1 variant allele.

NM_177531.6(PKHD1L1):c.7206G>A (p.Trp2402Ter)

Gene: PKHD1L1 (PKHD1 like 1; plus strand). Cytogenetic location: 8q23.1.
Variant type: single nucleotide variant.
Coding change: c.7206G>A on transcript NM_177531.6 (MANE Select); coding-DNA position 7206, G replaced by A.
Protein change: p.Trp2402Ter; replaces tryptophan 2402 with a stop codon.
Molecular consequence: nonsense.
Genome position (GRCh38, 1-based): chr8:109,459,796, G>A. VCF-style: chr8-109459796-G-A. GRCh37 (hg19) VCF-style: chr8-110472025-G-A.
Other names: short protein forms W2402*.
Identifiers: ClinVar variation 4849367 (VCV004849367.1).